The following is an entry in ClinVar:

ClinVar aggregate classification (germline): Uncertain significance (1 of 4 stars; one submission).

Conditions:
Disseminated atypical mycobacterial infection. Identifiers: MedGen C0694566.

Submission:

Labcorp Genetics (formerly Invitae), Labcorp
Classification: Uncertain significance for Disseminated atypical mycobacterial infection. Last evaluated: 2025-05-19. Review status: criteria provided, single submitter. Criteria: Invitae Variant Classification Sherloc (09022015). Collection method: clinical testing. Allele origin: germline.
Comment: This sequence change replaces methionine, which is neutral and non-polar, with leucine, which is neutral and non-polar, at codon 11 of the IFNGR1 protein (p.Met11Leu). This variant is present in population databases (rs781270900, gnomAD 0.2%). This variant has not been reported in the literature in individuals affected with IFNGR1-related conditions. An algorithm developed to predict the effect of missense changes on protein structure and function outputs the following: PolyPhen-2: "Benign". The leucine amino acid residue is found in multiple mammalian species, which suggests that this missense change does not adversely affect protein function. Algorithms developed to predict the effect of sequence changes on RNA splicing suggest that this variant may create or strengthen a splice site. In summary, the available evidence is currently insufficient to determine the role of this variant in disease. Therefore, it has been classified as a Variant of Uncertain Significance.

NM_000416.3(IFNGR1):c.31A>T (p.Met11Leu)

Gene: IFNGR1 (interferon gamma receptor 1; minus strand). Cytogenetic location: 6q23.3.
Variant type: single nucleotide variant.
Coding change: c.31A>T on transcript NM_000416.3 (MANE Select); coding-DNA position 31, A replaced by T.
Protein change: p.Met11Leu; replaces methionine 11 with leucine.
Molecular consequence: missense variant.
Genome position (GRCh38, 1-based): chr6:137,219,297, T>A on the plus strand (A>T on the coding strand, the complement: IFNGR1 is on the minus strand). VCF-style: chr6-137219297-T-A. GRCh37 (hg19) VCF-style: chr6-137540434-T-A.
Other names: short protein forms M11L.
Identifiers: ClinVar variation 4747941 (VCV004747941.1).